The following is an entry in ClinVar:

NM_000075.4(CDK4):c.4G>A (p.Ala2Thr)

Gene: CDK4 (cyclin dependent kinase 4; minus strand). Cytogenetic location: 12q14.1.
Variant type: single nucleotide variant.
Coding change: c.4G>A on transcript NM_000075.4 (MANE Select); coding-DNA position 4, G replaced by A.
Protein change: p.Ala2Thr; replaces alanine 2 with threonine.
Molecular consequence: missense variant.
Genome position (GRCh38, 1-based): chr12:57,751,714, C>T on the plus strand (G>A on the coding strand, the complement: CDK4 is on the minus strand). VCF-style: chr12-57751714-C-T. GRCh37 (hg19) VCF-style: chr12-58145497-C-T.
Other names: short protein forms A2T.
Identifiers: ClinVar variation 650301 (VCV000650301.7), dbSNP rs1483991096, ClinGen allele CA385549377.

ClinVar aggregate classification (germline): Uncertain significance (1 of 4 stars; one submission).

Conditions:
Familial melanoma. Also called: Hereditary melanoma; Hereditary cutaneous melanoma. Identifiers: Orphanet 618, MedGen C1512419, MONDO:0018961.

Allele frequency attached by ClinVar (database versions not stated): gnomAD exomes below 0.00001.
gnomAD v4.1: 3 of 1,614,058 alleles (0.00019%); highest among the groups gnomAD compares: South Asian, 0.0022%; no homozygotes.

Submission:

Labcorp Genetics (formerly Invitae), Labcorp
Classification: Uncertain significance for Familial melanoma. Last evaluated: 2025-12-03. Review status: criteria provided, single submitter. Criteria: Invitae Variant Classification Sherloc (09022015). Collection method: clinical testing. Allele origin: germline.
Comment: This sequence change replaces alanine, which is neutral and non-polar, with threonine, which is neutral and polar, at codon 2 of the CDK4 protein (p.Ala2Thr). This variant is present in population databases (no rsID available, gnomAD 0.003%). This variant has not been reported in the literature in individuals affected with CDK4-related conditions. ClinVar contains an entry for this variant (Variation ID: 650301). Invitae Evidence Modeling of protein sequence and biophysical properties (such as structural, functional, and spatial information, amino acid conservation, physicochemical variation, residue mobility, and thermodynamic stability) indicates that this missense variant is not expected to disrupt CDK4 protein function with a negative predictive value of 95%. In summary, the available evidence is currently insufficient to determine the role of this variant in disease. Therefore, it has been classified as a Variant of Uncertain Significance.